The following is an entry in ClinVar:

NM_007194.4(CHEK2):c.775_778del (p.Gly259fs)

Gene: CHEK2 (checkpoint kinase 2; minus strand). Cytogenetic location: 22q12.1.
Variant type: Deletion.
Coding change: c.775_778del on transcript NM_007194.4 (MANE Select); coding-DNA positions 775 to 778, 4 bases deleted (GGTT; older notation c.775_778delGGTT).
Protein change: p.Gly259fs; shifts the reading frame from glycine 259.
Molecular consequence: frameshift variant.
Genome position (GRCh38, 1-based): chr22:28,711,923-28,711,926, AACC deleted on the plus strand (GGTT on the coding strand, the reverse complement: CHEK2 is on the minus strand); deleting any 4 consecutive bases within chr22:28,711,923-28,711,928 gives the same sequence; the c. name uses the placement nearest the transcript's 3' end. VCF-style (leftmost placement, unchanged base first): chr22-28711922-GAACC-G. GRCh37 (hg19) VCF-style: chr22-29107910-GAACC-G.
Other names: c.902_905delTTGG, p.Gly302Glnfs (NM_001005735.3); c.110_113delTTGG, p.Gly38Glnfs (NM_001257387.3); c.572_575delTTGG, p.Gly192Glnfs (NM_001349956.3); c.773_776delTTGG, p.Gly259Glnfs (NM_145862.3); short protein forms G192fs, G259fs, G302fs, G38fs.
Identifiers: ClinVar variation 2583332 (VCV002583332.2), dbSNP rs2517959882, ClinGen allele CA2582342766.

ClinVar aggregate classification (germline): Pathogenic (1 of 4 stars; one submission).

Conditions:
Familial cancer of breast. Also called: Hereditary breast cancer; BREAST CANCER, FAMILIAL; hereditary breast carcinoma. Identifiers: Orphanet 227535, MedGen C0346153, MONDO:0016419, OMIM 114480. Disease mechanism: loss of function.

Submission:

Myriad Genetics, Inc.
Classification: Pathogenic for Familial cancer of breast. Last evaluated: 2023-06-26. Review status: criteria provided, single submitter. Criteria: Myriad Autosomal Dominant, Autosomal Recessive and X-Linked Classification Criteria (2023). Collection method: clinical testing. Allele origin: unknown.
Comment: This variant is considered pathogenic. This variant creates a frameshift predicted to result in premature protein truncation.